The following is an entry in ClinVar:

ClinVar aggregate classification (germline): Uncertain significance. Review status: criteria provided, multiple submitters, no conflicts (2 of 4 stars). 2 submissions from 2 submitters: Uncertain significance (2). Last evaluated 2025-08-06.

Conditions:
Inborn genetic diseases. Identifiers: MedGen C0950123, MeSH D030342.

Allele frequency attached by ClinVar (database versions not stated): gnomAD exomes below 0.00001 and 0.00001; gnomAD 0.00001.
gnomAD v4.1: 4 of 1,576,438 alleles (0.00025%); highest among the groups gnomAD compares: Admixed American, 0.0034%; no homozygotes.

Submissions (2):

Ambry Genetics
Classification: Uncertain significance for Inborn genetic diseases. Last evaluated: 2025-08-06. Review status: criteria provided, single submitter. Criteria: Ambry Variant Classification Scheme 2023. Collection method: clinical testing. Allele origin: germline.

Labcorp Genetics (formerly Invitae), Labcorp
Classification: Uncertain significance. Last evaluated: 2021-11-20. Review status: criteria provided, single submitter. Criteria: Invitae Variant Classification Sherloc (09022015). Collection method: clinical testing. Allele origin: germline.
Comment: This sequence change replaces asparagine, which is neutral and polar, with histidine, which is basic and polar, at codon 240 of the PRPF31 protein (p.Asn240His). This variant is present in population databases (no rsID available, gnomAD 0.003%). This variant has not been reported in the literature in individuals affected with PRPF31-related conditions. Algorithms developed to predict the effect of missense changes on protein structure and function (SIFT, PolyPhen-2, Align-GVGD) all suggest that this variant is likely to be tolerated. In summary, the available evidence is currently insufficient to determine the role of this variant in disease. Therefore, it has been classified as a Variant of Uncertain Significance.

NM_015629.4(PRPF31):c.718A>C (p.Asn240His)

Gene: PRPF31 (pre-mRNA processing factor 31; plus strand). Cytogenetic location: 19q13.42.
Variant type: single nucleotide variant.
Coding change: c.718A>C on transcript NM_015629.4 (MANE Select); coding-DNA position 718, A replaced by C.
Protein change: p.Asn240His; replaces asparagine 240 with histidine.
Molecular consequence: missense variant.
Genome position (GRCh38, 1-based): chr19:54,124,519, A>C. VCF-style: chr19-54124519-A-C. GRCh37 (hg19) VCF-style: chr19-54627898-A-C.
Other names: c.718A>C (NM_015629.3); short protein forms N240H.
Identifiers: ClinVar variation 1394282 (VCV001394282.7), dbSNP rs1271698442, ClinGen allele CA407751088.
Genomic context (GRCh38, chr19:54,124,519, plus strand): 5'-CTTCTGACCGCCCCCCCTTCCTCCCTCCCTCCCACCGCAGGTGTGGCCGGCGGCCTGACC[A>C]ACCTCTCCAAGATGCCCGCCTGCAACATCATGCTGCTCGGGGCCCAGCGCAAGACGCTGT-3'
Protein context (NP_056444.3, residues 230-250): KIMGVAGGLT[Asn240His]LSKMPACNIM